The following is an entry in ClinVar:

ClinVar aggregate classification (germline): Pathogenic/Likely pathogenic. Review status: criteria provided, multiple submitters, no conflicts (2 of 4 stars). 2 submissions from 2 submitters: Pathogenic (1); Likely pathogenic (1). Last evaluated 2025-01-27.

Conditions:
Infantile nephronophthisis (NPHP2). Also called: Nephronophthisis 2; Nephronophthisis 2, infantile. Identifiers: Orphanet 655, Orphanet 93591, MedGen C1865872, MONDO:0011190, OMIM 602088.
Nephronophthisis. Also called: Juvenile Nephronophthisis. Identifiers: Orphanet 655, MedGen C0687120, MONDO:0019005, HP:0000090.

Allele frequency attached by ClinVar (database versions not stated): gnomAD exomes below 0.00001; gnomAD 0.00001; TOPMed 0.00001.
gnomAD v4.1: 3 of 1,612,352 alleles (0.00019%); highest among the groups gnomAD compares: African/African-American, 0.0027%; no homozygotes.

Submissions (2):

Labcorp Genetics (formerly Invitae), Labcorp
Classification: Pathogenic for Nephronophthisis. Last evaluated: 2025-01-27. Review status: criteria provided, single submitter. Criteria: Invitae Variant Classification Sherloc (09022015). Collection method: clinical testing. Allele origin: germline.
Comment: This sequence change affects a donor splice site in intron 14 of the INVS gene. It is expected to disrupt RNA splicing. Variants that disrupt the donor or acceptor splice site typically lead to a loss of protein function (PMID: 16199547), and loss-of-function variants in INVS are known to be pathogenic (PMID: 12872123). This variant is not present in population databases (gnomAD no frequency). Disruption of this splice site has been observed in individual(s) with nephronophthisis and/or renal hypoplasia (PMID: 32173348, 34295353). In at least one individual the data is consistent with being in trans (on the opposite chromosome) from a pathogenic variant. ClinVar contains an entry for this variant (Variation ID: 1067538). Algorithms developed to predict the effect of sequence changes on RNA splicing suggest that this variant may disrupt the consensus splice site. For these reasons, this variant has been classified as Pathogenic.

Fulgent Genetics
Classification: Likely pathogenic for Infantile nephronophthisis. Last evaluated: 2021-09-03. Review status: criteria provided, single submitter. Criteria: ACMG Guidelines, 2015. Collection method: clinical testing. Allele origin: unknown.

Literature cited by the submitters: PubMed 16199547 (cited by Labcorp Genetics (formerly Invitae), Labcorp); PubMed 12872123 (cited by Labcorp Genetics (formerly Invitae), Labcorp); PubMed 32173348 (cited by Labcorp Genetics (formerly Invitae), Labcorp); PubMed 34295353 (cited by Labcorp Genetics (formerly Invitae), Labcorp).

NM_014425.5(INVS):c.2786+1G>A

Gene: INVS (inversin; plus strand). Cytogenetic location: 9q31.1.
Variant type: single nucleotide variant.
Coding change: c.2786+1G>A on transcript NM_014425.5 (MANE Select); the canonical splice donor site of the intron after coding-DNA position 2786, G replaced by A.
Molecular consequence: splice donor variant.
Genome position (GRCh38, 1-based): chr9:100,293,044, G>A. VCF-style: chr9-100293044-G-A. GRCh37 (hg19) VCF-style: chr9-103055326-G-A.
Other names: c.2498+1G>A (NM_001318381.2); c.1808+1G>A (NM_001318382.2).
Identifiers: ClinVar variation 1067538 (VCV001067538.8), dbSNP rs935629850, ClinGen allele CA196896200.
Genomic context (GRCh38, chr9:100,293,044, plus strand): 5'-GAAGGAGCTGTTTCGCAAAAAGAACAAGGCAGCAGCAGTCATCCAGCGCGCCTGGCGAAG[G>A]TAGGAAAATGGGGTGCTGCCGCATCTGTGGTTCTTTGTTACTGATATTCTCAACATGACA-3'